The following is an entry in ClinVar:

NM_001042492.3(NF1):c.7070A>G (p.Glu2357Gly)

Gene: NF1 (neurofibromin 1; plus strand). Cytogenetic location: 17q11.2.
Variant type: single nucleotide variant.
Coding change: c.7070A>G on transcript NM_001042492.3 (MANE Select); coding-DNA position 7070, A replaced by G.
Protein change: p.Glu2357Gly; replaces glutamic acid 2357 with glycine.
Molecular consequence: missense variant.
Genome position (GRCh38, 1-based): chr17:31,343,016, A>G. VCF-style: chr17-31343016-A-G. GRCh37 (hg19) VCF-style: chr17-29670034-A-G.
Other names: c.7007A>G, p.Glu2336Gly (NM_000267.4); short protein forms E2336G, E2357G.
Identifiers: ClinVar variation 187263 (VCV000187263.9), dbSNP rs786203596, ClinGen allele CA197179.

ClinVar aggregate classification (germline): Uncertain significance. Review status: criteria provided, multiple submitters, no conflicts (2 of 4 stars). 3 submissions from 2 submitters: Uncertain significance (3). Last evaluated 2022-04-07.

Conditions:
Hereditary cancer-predisposing syndrome. Also called: Hereditary Cancer Syndrome; Neoplastic Syndromes, Hereditary; Tumor predisposition; Hereditary neoplastic syndrome. Identifiers: Orphanet 140162, MedGen C0027672, MeSH D009386, MONDO:0015356.
Cardiovascular phenotype. Identifiers: MedGen CN230736.
Neurofibromatosis, type 1 (NF1). Also called: NEUROFIBROMATOSIS, TYPE I, SOMATIC; VON RECKLINGHAUSEN DISEASE; Peripheral type neurofibromatosis; Neurofibromatosis, type I. Identifiers: Orphanet 636, MedGen C0027831, MONDO:0018975, OMIM 162200. Disease mechanism: loss of function.

Submissions (3):

Labcorp Genetics (formerly Invitae), Labcorp
Classification: Uncertain significance for Neurofibromatosis, type 1. Last evaluated: 2022-04-07. Review status: criteria provided, single submitter. Criteria: Invitae Variant Classification Sherloc (09022015). Collection method: clinical testing. Allele origin: germline.
Comment: This sequence change replaces glutamic acid, which is acidic and polar, with glycine, which is neutral and non-polar, at codon 2336 of the NF1 protein (p.Glu2336Gly). This variant is not present in population databases (gnomAD no frequency). This variant has not been reported in the literature in individuals affected with NF1-related conditions. ClinVar contains an entry for this variant (Variation ID: 187263). Algorithms developed to predict the effect of missense changes on protein structure and function are either unavailable or do not agree on the potential impact of this missense change (SIFT: "Tolerated"; PolyPhen-2: "Possibly Damaging"; Align-GVGD: "Class C0"). In summary, the available evidence is currently insufficient to determine the role of this variant in disease. Therefore, it has been classified as a Variant of Uncertain Significance.

Ambry Genetics
Classification: Uncertain significance for Cardiovascular phenotype; Hereditary cancer-predisposing syndrome. Last evaluated: 2021-03-12. Review status: criteria provided, single submitter. Criteria: Ambry Variant Classification Scheme 2023. Collection method: clinical testing. Allele origin: germline.

Ambry Genetics
Classification: Uncertain significance for Hereditary cancer-predisposing syndrome. Last evaluated: 2014-12-02. Review status: criteria provided, single submitter. Criteria: Ambry Autosomal Dominant and X-Linked criteria (10/2015). Collection method: clinical testing. Allele origin: germline. Observed: 1 variant allele.
Comment: The p.E2357G variant (also known as c.7070A>G), located in coding exon 48 of the NF1 gene, results from an A to G substitution at nucleotide position 7070. The glutamic acid at codon 2357 is replaced by glycine, an amino acid with similar properties. This variant was not reported in population based cohorts in the following databases: Database of Single Nucleotide Polymorphisms (dbSNP), NHLBI Exome Sequencing Project (ESP), and 1000 Genomes Project. In the ESP, this variant was not observed in 6503 samples (13006 alleles) with coverage at this position. To date, this alteration has been detected with an allele frequency of approximately 0.003% (greater than 30000 alleles tested) in our clinical cohort. This amino acid position is highly conserved in available vertebrate species. In addition, the in silico prediction for this alteration is inconclusive. Since supporting evidence is limited at this time, the clinical significance of p.E2357G remains unclear.

Literature cited by the submitters: PubMed 11735023 (cited by Ambry Genetics).